The following is an entry in ClinVar:

ClinVar aggregate classification (germline): Uncertain significance (1 of 4 stars; one submission).

Allele frequency attached by ClinVar (database versions not stated): gnomAD exomes below 0.00001.
gnomAD v4.1: 1 of 1,611,538 alleles (0.000062%); highest among the groups gnomAD compares: East Asian, 0.0022%; no homozygotes.

Submission:

Labcorp Genetics (formerly Invitae), Labcorp
Classification: Uncertain significance. Last evaluated: 2023-11-27. Review status: criteria provided, single submitter. Criteria: Invitae Variant Classification Sherloc (09022015). Collection method: clinical testing. Allele origin: germline.
Comment: This sequence change replaces histidine, which is basic and polar, with glutamine, which is neutral and polar, at codon 510 of the TRAP1 protein (p.His510Gln). This variant is present in population databases (no rsID available, gnomAD 0.006%). This variant has not been reported in the literature in individuals affected with TRAP1-related conditions. Advanced modeling of protein sequence and biophysical properties (such as structural, functional, and spatial information, amino acid conservation, physicochemical variation, residue mobility, and thermodynamic stability) performed at Invitae indicates that this missense variant is not expected to disrupt TRAP1 protein function with a negative predictive value of 80%. In summary, the available evidence is currently insufficient to determine the role of this variant in disease. Therefore, it has been classified as a Variant of Uncertain Significance.

NM_016292.3(TRAP1):c.1530C>G (p.His510Gln)

Genes: DNASE1 (deoxyribonuclease 1; plus strand), TRAP1 (TNF receptor associated protein 1; minus strand). Cytogenetic location: 16p13.3.
Variant type: single nucleotide variant.
Coding change: c.1530C>G on transcript NM_016292.3 (MANE Select); coding-DNA position 1530, C replaced by G.
Protein change: p.His510Gln; replaces histidine 510 with glutamine.
Molecular consequence: missense variant. On other transcripts: 3 prime UTR variant (1).
Genome position (GRCh38, 1-based): chr16:3,664,313, G>C on the plus strand (C>G on the coding strand, the complement: TRAP1 is on the minus strand). VCF-style: chr16-3664313-G-C. GRCh37 (hg19) VCF-style: chr16-3714314-G-C.
Other names: c.1371C>G, p.His457Gln (NM_001272049.2); c.*1689G>C (NM_001387140.1); short protein forms H457Q, H510Q.
Identifiers: ClinVar variation 2699321 (VCV002699321.3), dbSNP rs1325824229, ClinGen allele CA394566992.